The following is an entry in ClinVar:

ClinVar aggregate classification (germline): Conflicting classifications of pathogenicity. Review status: criteria provided, conflicting classifications (1 of 4 stars). 3 submissions from 3 submitters: Uncertain significance (1); Benign (1). 1 of the submissions does not count toward it. Last evaluated 2026-03-23.

Conditions:
SETD2-related disorder.
Luscan-Lumish syndrome. Identifiers: Orphanet 597738, MedGen C4085873, MONDO:0014791, OMIM 616831.

Allele frequency attached by ClinVar (database versions not stated): gnomAD exomes 0.00002 and 0.00004; 1000 Genomes Project 30x 0.00016; 1000 Genomes Project 0.00020; gnomAD 0.00020 and 0.00023; ESP Exome Variant Server 0.00022; TOPMed 0.00025.
gnomAD v4.1: 61 of 1,551,744 alleles (0.0039%); highest among the groups gnomAD compares: African/African-American, 0.072%; no homozygotes.

Submissions (3):

Women's Health and Genetics/Laboratory Corporation of America, LabCorp
Classification: Uncertain significance. Last evaluated: 2026-03-23. Review status: criteria provided, single submitter. Criteria: LabCorp Variant Classification Summary - May 2015. Collection method: clinical testing. Allele origin: germline.
Comment: Variant summary: SETD2 c.335C>T (p.Ser112Leu) results in a non-conservative amino acid change in the encoded protein sequence. Algorithms developed to predict the effect of missense changes on protein structure and function are either unavailable or do not agree on the potential impact of this missense change. The variant allele was found at a frequency of 3.8e-05 in 156840 control chromosomes. The available data on variant occurrences in the general population are insufficient to allow any conclusion about variant significance. To our knowledge, no occurrence of c.335C>T in individuals affected with SETD2-related conditions and no experimental evidence demonstrating its impact on protein function have been reported. ClinVar contains an entry for this variant (Variation ID: 475508). Based on the evidence outlined above, the variant was classified as uncertain significance.

Labcorp Genetics (formerly Invitae), Labcorp
Classification: Benign for Luscan-Lumish syndrome. Last evaluated: 2025-03-07. Review status: criteria provided, single submitter. Criteria: Invitae Variant Classification Sherloc (09022015). Collection method: clinical testing. Allele origin: germline.

PreventionGenetics, part of Exact Sciences
Classification: Uncertain significance for SETD2-related condition. Last evaluated: 2024-03-05. Review status: no assertion criteria provided. Collection method: clinical testing. Allele origin: germline. Not counted in ClinVar's aggregate classification.
Comment: The SETD2 c.335C>T variant is predicted to result in the amino acid substitution p.Ser112Leu. To our knowledge, this variant has not been reported in the literature. This variant is reported in 0.042% of alleles in individuals of African descent in gnomAD. Although we suspect that this variant may be benign, at this time, the clinical significance of this variant is uncertain due to the absence of conclusive functional and genetic evidence.

NM_014159.7(SETD2):c.335C>T (p.Ser112Leu)

Gene: SETD2 (SET domain containing 2, histone lysine methyltransferase; minus strand). Cytogenetic location: 3p21.31.
Variant type: single nucleotide variant.
Coding change: c.335C>T on transcript NM_014159.7 (MANE Select); coding-DNA position 335, C replaced by T.
Protein change: p.Ser112Leu; replaces serine 112 with leucine.
Molecular consequence: missense variant. On other transcripts: non-coding transcript variant (1).
Genome position (GRCh38, 1-based): chr3:47,124,301, G>A on the plus strand (C>T on the coding strand, the complement: SETD2 is on the minus strand). VCF-style: chr3-47124301-G-A. GRCh37 (hg19) VCF-style: chr3-47165791-G-A.
Other names: c.203C>T, p.Ser68Leu (NM_001349370.3); short protein forms S112L, S68L.
Identifiers: ClinVar variation 475508 (VCV000475508.13), dbSNP rs187767340, ClinGen allele CA73812333.